The following is an entry in ClinVar:

ClinVar aggregate classification (germline): Uncertain significance. Review status: criteria provided, multiple submitters, no conflicts (2 of 4 stars). 2 submissions from 2 submitters: Uncertain significance (2). Last evaluated 2025-11-22.

gnomAD v4.1: 4 of 1,613,710 alleles (0.00025%); highest among the groups gnomAD compares: South Asian, 0.0033%; no homozygotes.

Submissions (2):

Labcorp Genetics (formerly Invitae), Labcorp
Classification: Uncertain significance. Last evaluated: 2025-11-22. Review status: criteria provided, single submitter. Criteria: Invitae Variant Classification Sherloc (09022015). Collection method: clinical testing. Allele origin: germline.
Comment: This sequence change replaces arginine, which is basic and polar, with leucine, which is neutral and non-polar, at codon 686 of the C1S protein (p.Arg686Leu). This variant is present in population databases (rs782484390, gnomAD 0.003%). This variant has not been reported in the literature in individuals affected with C1S-related conditions. ClinVar contains an entry for this variant (Variation ID: 3239295). An algorithm developed to predict the effect of missense changes on protein structure and function outputs the following: PolyPhen-2: "Benign". The leucine amino acid residue is found in multiple mammalian species, which suggests that this missense change does not adversely affect protein function. In summary, the available evidence is currently insufficient to determine the role of this variant in disease. Therefore, it has been classified as a Variant of Uncertain Significance.

CeGaT Center for Human Genetics Tuebingen
Classification: Uncertain significance. Last evaluated: 2024-05-01. Review status: criteria provided, single submitter. Criteria: CeGaT Center For Human Genetics Tuebingen Variant Classification Criteria Version 2. Collection method: clinical testing. Allele origin: germline. Affected: yes. Observed: 1 variant allele.
Comment: C1S: PM2, BP4

NM_001734.5(C1S):c.2057G>T (p.Arg686Leu)

Gene: C1S (complement C1s; plus strand). Cytogenetic location: 12p13.31.
Variant type: single nucleotide variant.
Coding change: c.2057G>T on transcript NM_001734.5 (MANE Select); coding-DNA position 2057, G replaced by T.
Protein change: p.Arg686Leu; replaces arginine 686 with leucine.
Molecular consequence: missense variant.
Genome position (GRCh38, 1-based): chr12:7,070,641, G>T. VCF-style: chr12-7070641-G-T. GRCh37 (hg19) VCF-style: chr12-7177945-G-T.
Other names: c.1556G>T, p.Arg519Leu (NM_001346850.2); c.2057G>T, p.Arg686Leu (NM_201442.4); short protein forms R519L, R686L.
Identifiers: ClinVar variation 3239295 (VCV003239295.20), dbSNP rs782484390.